The following is an entry in ClinVar:

ClinVar aggregate classification (germline): Conflicting classifications of pathogenicity. Review status: criteria provided, conflicting classifications (1 of 4 stars). 4 submissions from 4 submitters: Uncertain significance (2); Likely benign (2). Last evaluated 2025-11-17.

Conditions:
Emery-Dreifuss muscular dystrophy 5, autosomal dominant (EDMD5). Also called: EMERY-DREIFUSS MUSCULAR DYSTROPHY 5. Identifiers: Orphanet 261, MedGen C2751805, MONDO:0013072, OMIM 612999.

Allele frequency attached by ClinVar (database versions not stated): ExAC 0.00003; gnomAD exomes 0.00005 and 0.00015; gnomAD 0.00007 and 0.00008; TOPMed 0.00009; ESP Exome Variant Server 0.00034.
gnomAD v4.1: 233 of 1,610,926 alleles (0.014%); highest among the groups gnomAD compares: Non-Finnish European, 0.019%; 1 homozygote.

Submissions (4):

Labcorp Genetics (formerly Invitae), Labcorp
Classification: Uncertain significance for Emery-Dreifuss muscular dystrophy 5, autosomal dominant. Last evaluated: 2025-11-17. Review status: criteria provided, single submitter. Criteria: Invitae Variant Classification Sherloc (09022015). Collection method: clinical testing. Allele origin: germline.
Comment: This sequence change replaces lysine, which is basic and polar, with arginine, which is basic and polar, at codon 3135 of the SYNE2 protein (p.Lys3135Arg). This variant is present in population databases (rs376121197, gnomAD 0.01%). This variant has not been reported in the literature in individuals affected with SYNE2-related conditions. ClinVar contains an entry for this variant (Variation ID: 313546). An algorithm developed to predict the effect of missense changes on protein structure and function outputs the following: PolyPhen-2: "Benign". The arginine amino acid residue is found in multiple mammalian species, which suggests that this missense change does not adversely affect protein function. In summary, the available evidence is currently insufficient to determine the role of this variant in disease. Therefore, it has been classified as a Variant of Uncertain Significance.

Ambry Genetics
Classification: Likely benign. Last evaluated: 2024-05-09. Review status: criteria provided, single submitter. Criteria: Ambry Variant Classification Scheme 2023. Collection method: clinical testing. Allele origin: germline.

Revvity Omics, Revvity
Classification: Uncertain significance for Emery-Dreifuss muscular dystrophy 5, autosomal dominant. Last evaluated: 2019-08-21. Review status: criteria provided, single submitter. Criteria: ACMG Guidelines, 2015. Collection method: clinical testing. Allele origin: germline.

Illumina Laboratory Services, Illumina
Classification: Likely benign for Emery-Dreifuss muscular dystrophy 5, autosomal dominant. Last evaluated: 2018-01-13. Review status: criteria provided, single submitter. Criteria: ICSL Variant Classification Criteria 13 December 2019. Collection method: clinical testing. Allele origin: germline.
Comment: This variant was observed in the ICSL laboratory as part of a predisposition screen in an ostensibly healthy population. It had not been previously curated by ICSL or reported in the Human Gene Mutation Database (HGMD: prior to June 1st, 2018), and was therefore a candidate for classification through an automated scoring system. Utilizing variant allele frequency, disease prevalence and penetrance estimates, and inheritance mode, an automated score was calculated to assess if this variant is too frequent to cause the disease. Based on the score and internal cut-off values, a variant classified as likely benign is not then subjected to further curation. The score for this variant resulted in a classification of likely benign for this disease.

NM_182914.3(SYNE2):c.9404A>G (p.Lys3135Arg)

Gene: SYNE2 (spectrin repeat containing nuclear envelope protein 2; plus strand). Cytogenetic location: 14q23.2.
Variant type: single nucleotide variant.
Coding change: c.9404A>G on transcript NM_182914.3 (MANE Select); coding-DNA position 9404, A replaced by G.
Protein change: p.Lys3135Arg; replaces lysine 3135 with arginine.
Molecular consequence: missense variant.
Genome position (GRCh38, 1-based): chr14:64,053,317, A>G. VCF-style: chr14-64053317-A-G. GRCh37 (hg19) VCF-style: chr14-64520035-A-G.
Other names: c.9404A>G, p.Lys3135Arg (NM_015180.6); short protein forms K3135R.
Identifiers: ClinVar variation 313546 (VCV000313546.16), dbSNP rs376121197, ClinGen allele CA7221263.